The following is an entry in ClinVar:

NM_139242.4(MTFMT):c.14T>C (p.Val5Ala)

Gene: MTFMT (mitochondrial methionyl-tRNA formyltransferase; minus strand). Cytogenetic location: 15q22.31.
Variant type: single nucleotide variant.
Coding change: c.14T>C on transcript NM_139242.4 (MANE Select); coding-DNA position 14, T replaced by C.
Protein change: p.Val5Ala; replaces valine 5 with alanine.
Molecular consequence: missense variant.
Genome position (GRCh38, 1-based): chr15:65,029,600, A>G on the plus strand (T>C on the coding strand, the complement: MTFMT is on the minus strand). VCF-style: chr15-65029600-A-G. GRCh37 (hg19) VCF-style: chr15-65321938-A-G.
Other names: p.V5A:GTG>GCG; short protein forms V5A.
Identifiers: ClinVar variation 138269 (VCV000138269.14), dbSNP rs2946655, ClinGen allele CA292179.

ClinVar aggregate classification (germline): Benign. Review status: criteria provided, multiple submitters, no conflicts (2 of 4 stars). 4 submissions from 4 submitters: Benign (3). 1 of the submissions does not count toward it. Last evaluated 2026-02-01.

Allele frequency attached by ClinVar (database versions not stated): ESP Exome Variant Server 0.03417; gnomAD exomes 0.04381; ExAC 0.04841; 1000 Genomes Project 0.06749; gnomAD 0.06929 and 0.07188; TOPMed 0.06996; 1000 Genomes Project 30x 0.07136.

Submissions (4):

Labcorp Genetics (formerly Invitae), Labcorp
Classification: Benign. Last evaluated: 2026-02-01. Review status: criteria provided, single submitter. Criteria: Invitae Variant Classification Sherloc (09022015). Collection method: clinical testing. Allele origin: germline.

GeneDx
Classification: Benign. Last evaluated: 2013-08-30. Review status: criteria provided, single submitter. Criteria: GeneDx Variant Classification (06012015). Collection method: clinical testing. Allele origin: germline. Affected: yes.
Comment: This variant is considered likely benign or benign based on one or more of the following criteria: it is a conservative change, it occurs at a poorly conserved position in the protein, it is predicted to be benign by multiple in silico algorithms, and/or has population frequency not consistent with disease.

Breakthrough Genomics
Classification: Benign. Review status: criteria provided, single submitter. Criteria: ACMG Guidelines, 2015. Collection method: not provided. Allele origin: germline. Inheritance: Autosomal recessive inheritance. Affected: yes.

Mayo Clinic Laboratories, Mayo Clinic
Classification: Benign. Last evaluated: 2016-02-23. Review status: no assertion criteria provided. Collection method: clinical testing. Allele origin: unknown. Not counted in ClinVar's aggregate classification.